The following is an entry in ClinVar:

ClinVar aggregate classification (germline): Uncertain significance (1 of 4 stars; one submission).

gnomAD v4.1: 14 of 1,614,026 alleles (0.00087%); highest among the groups gnomAD compares: Non-Finnish European, 0.0012%; no homozygotes.

Submission:

Ambry Genetics
Classification: Uncertain significance. Last evaluated: 2025-01-29. Review status: criteria provided, single submitter. Criteria: Ambry Variant Classification Scheme 2023. Collection method: clinical testing. Allele origin: germline.
Comment: The p.C828Y variant (also known as c.2483G>A), located in coding exon 1 of the TET2 gene, results from a G to A substitution at nucleotide position 2483. The cysteine at codon 828 is replaced by tyrosine, an amino acid with highly dissimilar properties. This amino acid position is conserved. In addition, this alteration is predicted to be tolerated by in silico analysis. Based on the available evidence, the clinical significance of this variant remains unclear.

NM_001127208.3(TET2):c.2483G>A (p.Cys828Tyr)

Genes: TET2 (tet methylcytosine dioxygenase 2; plus strand), TET2-AS1 (TET2 antisense RNA 1; minus strand). Cytogenetic location: 4q24.
Variant type: single nucleotide variant.
Coding change: c.2483G>A on transcript NM_001127208.3 (MANE Select); coding-DNA position 2483, G replaced by A.
Protein change: p.Cys828Tyr; replaces cysteine 828 with tyrosine.
Molecular consequence: missense variant.
Genome position (GRCh38, 1-based): chr4:105,236,425, G>A. VCF-style: chr4-105236425-G-A. GRCh37 (hg19) VCF-style: chr4-106157582-G-A.
Other names: c.2483G>A, p.Cys828Tyr (NM_017628.4); short protein forms C828Y.
Identifiers: ClinVar variation 3806012 (VCV003806012.1).
Genomic context (GRCh38, chr4:105,236,425, plus strand): 5'-AAGTACAGAATATAAATCGTAGAAATTCCCCTTATAGTCAGACCATGAAATCAAGTGCAT[G>A]CAAAATACAGGTTTCTTGTTCAAACAATACACACCTAGTTTCAGAGAATAAAGAACAGAC-3'
Protein context (NP_001120680.1, residues 818-838): PYSQTMKSSA[Cys828Tyr]KIQVSCSNNT